The following is an entry in ClinVar:

NR_003051.4(RMRP):n.6C>T

Gene: RMRP (RNA component of mitochondrial RNA processing endoribonuclease; minus strand). Cytogenetic location: 9p13.3.
Variant type: single nucleotide variant.
Genome position: GRCh38 VCF-style: chr9-35658014-G-A. GRCh37 (hg19) VCF-style: chr9-35658011-G-A.
Identifiers: ClinVar variation 552477 (VCV000552477.56), dbSNP rs772443941, ClinGen allele CA5045870.

ClinVar aggregate classification (germline): Pathogenic. Review status: reviewed by expert panel (3 of 4 stars). 9 submissions from 9 submitters: Pathogenic (1). 8 of the submissions do not count toward it. Last evaluated 2026-10-07.

Conditions:
Anauxetic dysplasia. Identifiers: Orphanet 93347, MedGen C1846796, MONDO:0011773.
Anauxetic dysplasia 1 (ANXD1). Also called: Anauxetic Dysplasia (AD). Identifiers: Orphanet 93347, MedGen C4551965, MONDO:0054560, OMIM 607095.
Metaphyseal chondrodysplasia, McKusick type (CHH). Also called: Cartilage-Hair Hypoplasia (CHH); Cartilage-hair hypoplasia. Identifiers: Orphanet 175, MedGen C0220748, MONDO:0009595, OMIM 250250.
Metaphyseal dysplasia without hypotrichosis. Also called: CARTILAGE-HAIR HYPOPLASIA VARIANT, SKELETAL MANIFESTATIONS ONLY; CARTILAGE-HAIR HYPOPLASIA-LIKE SKELETAL DYSPLASIA WITHOUT HYPOTRICHOSIS OR IMMUNODEFICIENCY; Metaphyseal Dysplasia without Hypotrichosis (MDWH). Identifiers: MedGen C1834821, MONDO:0009601, OMIM 250460.

Allele frequency attached by ClinVar (database versions not stated): TOPMed 0.00005; gnomAD exomes 0.00011; gnomAD 0.00016; ExAC 0.00031.
gnomAD v4.1: 63 of 691,230 alleles (0.0091%); highest among the groups gnomAD compares: South Asian, 0.03%; no homozygotes.

Submissions (9):

ClinGen Severe Combined Immunodeficiency Variant Curation Expert Panel, ClinGen
Classification: Pathogenic for Metaphyseal chondrodysplasia, McKusick type. Last evaluated: 2026-10-07. Review status: reviewed by expert panel. Criteria: ClinGen SCID ACMG Specifications RMRP V1.3. Collection method: curation. Allele origin: germline. Inheritance: Autosomal recessive inheritance.
Comment: The variant NC_000009.12:g.35658014G>A in RMRP is also known as NR_003051.4(RMRP):n.6C>T, NR_003051.3(RMRP):n.5C>T and n.4C>T, This variant is present in gnomAD v.4.1.0 at a GrpMax filtering allele frequency of 0.00019661, which is higher than the ClinGen SCID VCEP specified PM2_Supporting threshold of <0.0000447, but lower than the BS1 threshold of >0.00089 . Therefore, Both PM2_supporting and BS1 are not met. This variant has been found in trans with the variants n.20_-4 dup (+0.25 points), n.25_-11 dup (+0.25 points), n.26_-14 dup (+0.25 points), -20_4dup (+0.25 points), 13db dup (+0.25 points), -11_-5delCTGAGGAins28bp (+0.25 points), n.9T>C (+0.25 points), g. 25_ 10tripACTACTCT GTGAAGCT (+0.25 points), g. 20_ 4dupTCTGTGAA GCTGAGGAC (+0.25 points), g.63C>T (+1 points), g.238C>T (+0.25 points), g.-25_-11 dupACTACTCTGTGAAGC (+0.25 points), g.77C>T (0.25 points), g.242A>G (This variant is pathogenic but was not counted to avoid redundant scoring since the variant n.4C>T was used for counting PM3 in g.242A>G curation). Overall, this evidence reached a total of 4 points and meeting PM3_VeryStrong. (PMID: 25663137, 19626344, 17015150, 16838329, 16244706, 18804272, 20375313, 5663137). At least one patient carrying the variant n.4C>T presented clinical phenotypes of Cartilage Hair Hypoplasia, including Metaphyseal dysplasia (+1.0 points), Hypotrichosis (+0.5 points), and a diagnosis of CID (+1.0 points) reaching a total of 2.5 points. Therefore, PP4_Moderate is met (PMID: 25663137. An endonucleolytic cleavage activity assay showed increased levels of uncleaved mRNA in human fibroblast cells transiently transfected with RMRP construct carrying this variant compared to cells expressing WT RMRP. This asay is one of the approved functional assays specified by the SCID VCEP. However, because no animal model has been reported for this variant, the evidence strength is downgraded to PS3_Supporting (PMID: 17701897). In summary, this variant meets the criteria to be classified as Pathogenic for Autosomal recessive Cartilage Hair Hypoplasia based on the ACMG/AMP criteria applied, as specified by the ClinGen SCID VCEP: PM3_VeryStrong, PP4_Moderate, and PS3_Supporting (VCEP specifications version 1.3). NR_003051.3 is the historic transcript with the first nucleotide of the transcribed non-coding RNA that differs from the current MANE transcript, namely NR_003051.4. In this curation, NR_003051.3 was used in the following PMID(s): 25663137, 19626344, 17015150, 16838329, 16244706, 18804272, 20375313, 5663137, 17701897.

Labcorp Genetics (formerly Invitae), Labcorp
Classification: Pathogenic for Anauxetic dysplasia. Last evaluated: 2025-07-28. Review status: criteria provided, single submitter. Criteria: Invitae Variant Classification Sherloc (09022015). Collection method: clinical testing. Allele origin: germline. Not counted in ClinVar's aggregate classification.
Comment: This variant occurs in the RMRP gene, which encodes an RNA molecule that does not result in a protein product. This variant is present in population databases (rs772443941, gnomAD 0.04%). This variant has been observed in individual(s) with autosomal recessive cartilage-hair hypoplasia (PMID: 16244706, 16838329, 17015150, 19626344, 20375313, 25663137, 29744913). This variant is also known as 4C>T. ClinVar contains an entry for this variant (Variation ID: 552477). Studies have shown that this variant alters RMRP gene expression (PMID: 17701897). For these reasons, this variant has been classified as Pathogenic.

Natera, Inc.
Classification: Pathogenic for Cartilage-hair hypoplasia. Last evaluated: 2025-07-08. Review status: criteria provided, single submitter. Criteria: Natera Variant Classification Schema (03/2026). Collection method: clinical testing. Allele origin: germline. Not counted in ClinVar's aggregate classification.
Comment: The n.5C>T variant in RMRP is characterized as a single nucleotide variant (SNV). This variant is rare in the general population with a frequency below the threshold expected for the associated phenotype(s). This variant has been observed in one or more individuals affected with the associated recessive disease, as either homozygous or compound heterozygous with a second variant (PMID: 17015150, 16244706). Given the available evidence, this variant is classified as Pathogenic.

3billion
Classification: Pathogenic for Metaphyseal chondrodysplasia, McKusick type. Last evaluated: 2022-05-22. Review status: criteria provided, single submitter. Criteria: ACMG Guidelines, 2015. Collection method: clinical testing. Allele origin: germline. Affected: yes. Observed: 1 homozygote. Not counted in ClinVar's aggregate classification.
Comment: The variant is observed at an extremely low frequency in the gnomAD v2.1.1 dataset (total allele frequency: 0.012%). As this gene encodes a noncoding RNA, there is no corresponding protein annotation. The variant has been reported to be in trans with a pathogenic variant as either compound heterozygous or homozygous in at least 4 similarly affected unrelated individuals (PMID: 16244706, 16838329, 17015150, 18804272, 20375313, 29744913). The variant has been reported at least twice as pathogenic with clinical assertions and evidence for the classification (ClinVar ID: VCV000552477). Therefore, this variant is classified as pathogenic according to the recommendation of ACMG/AMP guideline.

CeGaT Center for Human Genetics Tuebingen
Classification: Pathogenic. Last evaluated: 2022-03-01. Review status: criteria provided, single submitter. Criteria: CeGaT Center For Human Genetics Tuebingen Variant Classification Criteria Version 2. Collection method: clinical testing. Allele origin: germline. Affected: yes. Observed: 2 variant alleles. Not counted in ClinVar's aggregate classification.
Comment: RMRP: PM3:Strong, PM2, PS3:Moderate, PS4:Moderate

Fulgent Genetics
Classification: Likely pathogenic for Metaphyseal chondrodysplasia, McKusick type; Metaphyseal dysplasia without hypotrichosis; Anauxetic dysplasia 1. Last evaluated: 2022-01-19. Review status: criteria provided, single submitter. Criteria: ACMG Guidelines, 2015. Collection method: clinical testing. Allele origin: unknown. Not counted in ClinVar's aggregate classification.

GeneDx
Classification: Pathogenic. Last evaluated: 2020-07-23. Review status: criteria provided, single submitter. Criteria: GeneDx Variant Classification Process June 2021. Collection method: clinical testing. Allele origin: germline. Affected: yes. Not counted in ClinVar's aggregate classification.
Comment: Published functional studies demonstrate a damaging effect on rRNA and mRNA cleavage activities (Thiel et al., 2007); This variant is associated with the following publications: (PMID: 16244706, 16838329, 17015150, 18804272, 19626344, 25663137, 29744913, 12107819, 17701897, 20375313)

Women's Health and Genetics/Laboratory Corporation of America, LabCorp
Classification: Pathogenic for Metaphyseal chondrodysplasia, McKusick type. Last evaluated: 2018-12-10. Review status: criteria provided, single submitter. Criteria: LabCorp Variant Classification Summary - May 2015. Collection method: clinical testing. Allele origin: germline. Not counted in ClinVar's aggregate classification.
Comment: Variant summary: The RMRP n.5C>T (also known as n.4C>T) variant was found at a frequency of 0.00012 in 154346 control chromosomes (gnomAD). This frequency is not significantly higher than expected for a pathogenic variant in RMRP causing Cartilage-Hair Hypoplasia (0.00012 vs 0.0072), allowing no conclusion about variant significance. The variant, n.5C>T, has been reported in the literature in multiple individuals affected with Cartilage-Hair Hypoplasia (Bordon_2010, Hermanns_2006, Kavadas_2008, Munoz-Robles_2006, Bonafe_2005). These data indicate that the variant is very likely to be associated with disease. To our knowledge, no experimental evidence demonstrating an impact on protein function has been reported. A ClinVar submission from a clinical diagnostic laboratory (evaluation after 2014) cites the variant as pathogenic. Based on the evidence outlined above, the variant was classified as pathogenic.

Counsyl
Classification: Pathogenic for Metaphyseal chondrodysplasia, McKusick type. Last evaluated: 2017-06-16. Review status: no assertion criteria provided. Collection method: clinical testing. Allele origin: unknown. Not counted in ClinVar's aggregate classification.

Literature cited by the submitters: PubMed 16244706 (cited by 5 submitters); PubMed 16838329 (cited by 4 submitters); PubMed 17015150 (cited by 5 submitters); PubMed 19626344 (cited by Labcorp Genetics (formerly Invitae), Labcorp and Counsyl); PubMed 20375313 (cited by 4 submitters); PubMed 25663137 (cited by Labcorp Genetics (formerly Invitae), Labcorp and Counsyl); PubMed 29744913 (cited by Labcorp Genetics (formerly Invitae), Labcorp and 3billion); PubMed 17701897 (cited by Labcorp Genetics (formerly Invitae), Labcorp and Counsyl); PubMed 18804272 (cited by 3billion and Women's Health and Genetics/Laboratory Corporation of America, LabCorp); PubMed 12107819 (cited by Counsyl).